The following is an entry in ClinVar:

ClinVar aggregate classification (germline): Benign. Review status: criteria provided, single submitter (1 of 4 stars). 2 submissions from 2 submitters: Benign (1). 1 of the submissions does not count toward it. Last evaluated 2019-12-31.

Conditions:
PTPRD-related disorder. Also called: PTPRD-related condition.

Allele frequency attached by ClinVar (database versions not stated): ESP Exome Variant Server 0.00031; gnomAD 0.00096 and 0.00124; TOPMed 0.00111; ExAC 0.00195; gnomAD exomes 0.00235; 1000 Genomes Project 30x 0.00609; 1000 Genomes Project 0.00679.
gnomAD v4.1: 901 of 1,565,392 alleles (0.058%); highest among the groups gnomAD compares: East Asian, 1.4%; 17 homozygotes.

Submissions (2):

Labcorp Genetics (formerly Invitae), Labcorp
Classification: Benign. Last evaluated: 2019-12-31. Review status: criteria provided, single submitter. Criteria: Invitae Variant Classification Sherloc (09022015). Collection method: clinical testing. Allele origin: germline.

PreventionGenetics, part of Exact Sciences
Classification: Benign for PTPRD-related condition. Last evaluated: 2019-08-01. Review status: no assertion criteria provided. Collection method: clinical testing. Allele origin: germline. Not counted in ClinVar's aggregate classification.
Comment: This variant is classified as benign based on ACMG/AMP sequence variant interpretation guidelines (Richards et al. 2015 PMID: 25741868, with internal and published modifications).

NM_002839.4(PTPRD):c.962-9C>G

Gene: PTPRD (protein tyrosine phosphatase receptor type D; minus strand). Cytogenetic location: 9p24.1.
Variant type: single nucleotide variant.
Coding change: c.962-9C>G on transcript NM_002839.4 (MANE Select); 9 bases into the intron before coding-DNA position 962, C replaced by G.
Molecular consequence: intron variant.
Genome position (GRCh38, 1-based): chr9:8,518,438, G>C on the plus strand (C>G on the coding strand, the complement: PTPRD is on the minus strand). VCF-style: chr9-8518438-G-C. GRCh37 (hg19) VCF-style: chr9-8518438-G-C.
Other names: c.932-9C>G (NM_001171025.2); c.944-9C>G (NM_001377946.1, NM_130393.3); c.962-9C>G (NM_001378058.1, NM_001377958.1, NM_130391.4 and 1 more transcripts); c.953-9C>G (NM_001377947.1, NM_001040712.2).
Identifiers: ClinVar variation 733813 (VCV000733813.6), dbSNP rs192554695, ClinGen allele CA4984604.